The following is an entry in ClinVar:

ClinVar aggregate classification (germline): Uncertain significance. Review status: criteria provided, multiple submitters, no conflicts (2 of 4 stars). 5 submissions from 5 submitters: Uncertain significance (5). Last evaluated 2026-08-18.

Conditions:
Cardiovascular phenotype. Identifiers: MedGen CN230736.
Catecholaminergic polymorphic ventricular tachycardia (CVPT). Also called: Catecholamine-induced polymorphic ventricular tachycardia. Identifiers: Orphanet 3286, MedGen C5574922, MONDO:0017990.
Cardiomyopathy (CMYO). Also called: Cardiomyopathies. Identifiers: Orphanet 167848, MedGen C0878544, MONDO:0004994, HP:0001638. Inheritance: Various modes of inheritance.
Catecholaminergic polymorphic ventricular tachycardia 1. Also called: VENTRICULAR TACHYCARDIA, CATECHOLAMINERGIC POLYMORPHIC, 1, WITH OR WITHOUT ATRIAL DYSFUNCTION AND/OR DILATED CARDIOMYOPATHY; VENTRICULAR TACHYCARDIA, STRESS-INDUCED POLYMORPHIC 1; RYR2-Related Catecholaminergic Polymorphic Ventricular Tachycardia. Identifiers: Orphanet 3286, MedGen C1631597, MONDO:0011484, OMIM 604772.

Allele frequency attached by ClinVar (database versions not stated): ExAC 0.00001; gnomAD exomes 0.00001.
gnomAD v4.1: 4 of 1,614,006 alleles (0.00025%); highest among the groups gnomAD compares: Non-Finnish European, 0.00034%; no homozygotes.

Submissions (5):

Clinical Genetics Laboratory, Skane University Hospital Lund
Classification: Uncertain significance for Catecholaminergic polymorphic ventricular tachycardia 1. Last evaluated: 2026-08-18. Review status: criteria provided, single submitter. Criteria: ACMG Guidelines, 2015. Collection method: clinical testing. Allele origin: germline. Affected: yes.
Comment: ACMG criteria used: PM2, PP3

Labcorp Genetics (formerly Invitae), Labcorp
Classification: Uncertain significance for Catecholaminergic polymorphic ventricular tachycardia 1. Last evaluated: 2025-08-26. Review status: criteria provided, single submitter. Criteria: Invitae Variant Classification Sherloc (09022015). Collection method: clinical testing. Allele origin: germline.
Comment: This sequence change replaces glutamic acid, which is acidic and polar, with glycine, which is neutral and non-polar, at codon 993 of the RYR2 protein (p.Glu993Gly). This variant is present in population databases (rs760019189, gnomAD 0.002%). This variant has not been reported in the literature in individuals affected with RYR2-related conditions. ClinVar contains an entry for this variant (Variation ID: 924032). Invitae Evidence Modeling of protein sequence and biophysical properties (such as structural, functional, and spatial information, amino acid conservation, physicochemical variation, residue mobility, and thermodynamic stability) has been performed for this missense variant. However, the output from this modeling did not meet the statistical confidence thresholds required to predict the impact of this variant on RYR2 protein function. In summary, the available evidence is currently insufficient to determine the role of this variant in disease. Therefore, it has been classified as a Variant of Uncertain Significance.

All of Us Research Program, National Institutes of Health
Classification: Uncertain significance for Catecholaminergic polymorphic ventricular tachycardia. Last evaluated: 2024-09-27. Review status: criteria provided, single submitter. Criteria: ACMG Guidelines, 2015. Collection method: clinical testing. Allele origin: germline. Inheritance: Autosomal dominant inheritance. Observed: 4 variant alleles, 4 heterozygotes.
Comment: This missense variant replaces glutamic acid with glycine at codon 993 of the RYR2 protein. Computational prediction suggests that this variant may have deleterious impact on protein structure and function (internally defined REVEL score threshold >= 0.7, PMID: 27666373). Computational splicing tools suggest that this variant may not impact RNA splicing. To our knowledge, functional studies have not been reported for this variant. This variant has not been reported in individuals affected with RYR2-related disorders in the literature. This variant has been identified in 2/249188 chromosomes in the general population by the Genome Aggregation Database (gnomAD). The available evidence is insufficient to determine the role of this variant in disease conclusively. Therefore, this variant is classified as a Variant of Uncertain Significance.

This study involves interpretation of variants in research participants for the purpose of population health screening. Participant phenotype was not available at the time of variant classification. Additional details can be found in publication PMID: 35346344, PMCID: PMC8962531

Color Diagnostics, LLC DBA Color Health
Classification: Uncertain significance for Cardiomyopathy. Last evaluated: 2024-03-06. Review status: criteria provided, single submitter. Criteria: ACMG Guidelines, 2015. Collection method: clinical testing. Allele origin: germline.
Comment: This missense variant replaces glutamic acid with glycine at codon 993 of the RYR2 protein. Computational prediction suggests that this variant may have deleterious impact on protein structure and function (internally defined REVEL score threshold >= 0.7, PMID: 27666373). Computational splicing tools suggest that this variant may not impact RNA splicing. To our knowledge, functional studies have not been reported for this variant. This variant has not been reported in individuals affected with RYR2-related disorders in the literature. This variant has been identified in 2/249188 chromosomes in the general population by the Genome Aggregation Database (gnomAD). The available evidence is insufficient to determine the role of this variant in disease conclusively. Therefore, this variant is classified as a Variant of Uncertain Significance.

Ambry Genetics
Classification: Uncertain significance for Cardiovascular phenotype. Last evaluated: 2022-05-24. Review status: criteria provided, single submitter. Criteria: Ambry Variant Classification Scheme 2023. Collection method: clinical testing. Allele origin: germline.
Comment: The p.E993G variant (also known as c.2978A>G), located in coding exon 26 of the RYR2 gene, results from an A to G substitution at nucleotide position 2978. The glutamic acid at codon 993 is replaced by glycine, an amino acid with similar properties. This amino acid position is well conserved in available vertebrate species. In addition, this alteration is predicted to be deleterious by in silico analysis. Since supporting evidence is limited at this time, the clinical significance of this alteration remains unclear.

NM_001035.3(RYR2):c.2978A>G (p.Glu993Gly)

Gene: RYR2 (ryanodine receptor 2; plus strand). Cytogenetic location: 1q43.
Variant type: single nucleotide variant.
Coding change: c.2978A>G on transcript NM_001035.3 (MANE Select); coding-DNA position 2978, A replaced by G.
Protein change: p.Glu993Gly; replaces glutamic acid 993 with glycine.
Molecular consequence: missense variant.
Genome position (GRCh38, 1-based): chr1:237,548,502, A>G. VCF-style: chr1-237548502-A-G. GRCh37 (hg19) VCF-style: chr1-237711802-A-G.
Other names: c.2978A>G (NM_001035.2); short protein forms E993G.
Identifiers: ClinVar variation 924032 (VCV000924032.13), dbSNP rs760019189, ClinGen allele CA086259.
Genomic context (GRCh38, chr1:237,548,502, plus strand): 5'-CAAGTGGATACAAGCCTGCCCCTATGGACCTGAGCTTTATCAAACTCACCCCATCACAAG[A>G]AGCAATGGTGGACAAGTTGGCAGAAAATGCACATAATGTGTGGGCGCGGGATCGAATCCG-3'
Protein context (NP_001026.2, residues 983-1003): LSFIKLTPSQ[Glu993Gly]AMVDKLAENA